The following is an entry in ClinVar:

NM_012330.4(KAT6B):c.4538dup (p.Lys1514fs)

Gene: KAT6B (lysine acetyltransferase 6B; plus strand). Cytogenetic location: 10q22.2.
Variant type: Duplication.
Coding change: c.4538dup on transcript NM_012330.4 (MANE Select); coding-DNA position 4538, one base duplicated (A; older notation c.4538dupA).
Protein change: p.Lys1514fs; shifts the reading frame from lysine 1514.
Molecular consequence: frameshift variant.
Genome position (GRCh38, 1-based): chr10:75,029,362, A duplicated. VCF-style (leftmost placement, unchanged base first): chr10-75029361-C-CA. GRCh37 (hg19) VCF-style: chr10-76789119-C-CA.
Other names: c.3989dup, p.Lys1331fs (NM_001256468.2, NM_001370138.1); c.3662dup, p.Lys1222fs (NM_001256469.2, NM_001370139.1, NM_001370140.1 and 2 more transcripts); c.3500dup, p.Lys1168fs (NM_001370132.1); c.2849dup, p.Lys951fs (NM_001370133.1); c.2453dup, p.Lys819fs (NM_001370134.1); c.2195dup, p.Lys733fs (NM_001370135.1); c.4538dup, p.Lys1514fs (NM_001370136.1, NM_001370137.1); c.3473dup, p.Lys1159fs (NM_001370143.1, NM_001370144.1); short protein forms K1159fs, K1222fs, K1331fs, K1514fs, K1168fs, K733fs, K819fs, K951fs.
Identifiers: ClinVar variation 958812 (VCV000958812.10), dbSNP rs1846135896, ClinGen allele CA1139661516.
Genomic context (GRCh38, chr10:75,029,361, plus strand): 5'-GCTGGGGACCCTGAAGCTGTACCCGAATCTGACGAGGAGCCACCCCCAGGAGAACAGGCA[C>CA]AGAAGCAGGACCAAAAGAACAGCAAGGAAGTCGATACAGAGTTCAAAGAGGGAAACCCAG-3'

ClinVar aggregate classification (germline): Pathogenic (1 of 4 stars; one submission).

Conditions:
Genitopatellar syndrome (GTPTS). Also called: Genitopatellar syndrome (GPS); ABSENT PATELLAE, SCROTAL HYPOPLASIA, RENAL ANOMALIES, FACIAL DYSMORPHISM, AND MENTAL RETARDATION. Identifiers: Orphanet 85201, MedGen C1853566, MONDO:0011640, OMIM 606170.

Submission:

Labcorp Genetics (formerly Invitae), Labcorp
Classification: Pathogenic for Genitopatellar syndrome. Last evaluated: 2019-10-26. Review status: criteria provided, single submitter. Criteria: Invitae Variant Classification Sherloc (09022015). Collection method: clinical testing. Allele origin: germline.
Comment: This sequence change results in a premature translational stop signal in the KAT6B gene (p.Lys1514Glufs*27). While this is not anticipated to result in nonsense mediated decay, it is expected to disrupt the last 560 amino acids of the KAT6B protein. This variant is not present in population databases (ExAC no frequency). This variant has not been reported in the literature in individuals with KAT6B-related conditions. This variant disrupts the C-terminus of the KAT6B protein. Other variant(s) that disrupt this region (p.Arg1797*) have been determined to be pathogenic (PMID: 22077973). This suggests that variants that disrupt this region of the protein are likely to be causative of disease. For these reasons, this variant has been classified as Pathogenic.

Literature cited by the submitters: PubMed 22077973.